The following is an entry in ClinVar:

ClinVar aggregate classification (germline): Uncertain significance. Review status: criteria provided, multiple submitters, no conflicts (2 of 4 stars). 2 submissions from 2 submitters: Uncertain significance (2). Last evaluated 2025-06-12.

Allele frequency attached by ClinVar (database versions not stated): gnomAD 0.00001; gnomAD exomes 0.00001; ExAC 0.00002; TOPMed 0.00002.
gnomAD v4.1: 15 of 1,612,572 alleles (0.00093%); highest among the groups gnomAD compares: Admixed American, 0.0033%; no homozygotes.

Submissions (2):

Labcorp Genetics (formerly Invitae), Labcorp
Classification: Uncertain significance. Last evaluated: 2025-06-12. Review status: criteria provided, single submitter. Criteria: Invitae Variant Classification Sherloc (09022015). Collection method: clinical testing. Allele origin: germline.
Comment: This sequence change replaces glutamine, which is neutral and polar, with arginine, which is basic and polar, at codon 2478 of the FBN3 protein (p.Gln2478Arg). This variant is present in population databases (rs779122771, gnomAD 0.006%). This variant has not been reported in the literature in individuals affected with FBN3-related conditions. ClinVar contains an entry for this variant (Variation ID: 2040837). Invitae Evidence Modeling of protein sequence and biophysical properties (such as structural, functional, and spatial information, amino acid conservation, physicochemical variation, residue mobility, and thermodynamic stability) has been performed for this missense variant. However, the output from this modeling did not meet the statistical confidence thresholds required to predict the impact of this variant on FBN3 protein function. In summary, the available evidence is currently insufficient to determine the role of this variant in disease. Therefore, it has been classified as a Variant of Uncertain Significance.

Ambry Genetics
Classification: Uncertain significance. Last evaluated: 2025-01-15. Review status: criteria provided, single submitter. Criteria: Ambry Variant Classification Scheme 2023. Collection method: clinical testing. Allele origin: germline.

NM_032447.5(FBN3):c.7433A>G (p.Gln2478Arg)

Gene: FBN3 (fibrillin 3; minus strand). Cytogenetic location: 19p13.2.
Variant type: single nucleotide variant.
Coding change: c.7433A>G on transcript NM_032447.5 (MANE Select); coding-DNA position 7433, A replaced by G.
Protein change: p.Gln2478Arg; replaces glutamine 2478 with arginine.
Molecular consequence: missense variant.
Genome position (GRCh38, 1-based): chr19:8,081,023, T>C on the plus strand (A>G on the coding strand, the complement: FBN3 is on the minus strand). VCF-style: chr19-8081023-T-C. GRCh37 (hg19) VCF-style: chr19-8145907-T-C.
Other names: c.7433A>G, p.Gln2478Arg (NM_001321431.2); short protein forms Q2478R.
Identifiers: ClinVar variation 2040837 (VCV002040837.6), dbSNP rs779122771, ClinGen allele CA9150886.